The following is an entry in ClinVar:

NM_001042424.3(NSD2):c.3720C>T (p.Asp1240=)

Gene: NSD2 (nuclear receptor binding SET domain protein 2; plus strand). Cytogenetic location: 4p16.3.
Variant type: single nucleotide variant.
Coding change: c.3720C>T on transcript NM_001042424.3 (MANE Select); coding-DNA position 3720, C replaced by T.
Protein change: p.Asp1240=; no amino-acid change (aspartic acid 1240 retained).
Molecular consequence: synonymous variant.
Genome position (GRCh38, 1-based): chr4:1,976,573, C>T. VCF-style: chr4-1976573-C-T. GRCh37 (hg19) VCF-style: chr4-1978300-C-T.
Other names: c.3720C>T, p.Asp1240= (NM_133335.4, NM_133330.3, NM_133331.3).
Identifiers: ClinVar variation 1680218 (VCV001680218.25), dbSNP rs201513781, ClinGen allele CA2812849.
Genomic context (GRCh38, chr4:1,976,573, plus strand): 5'-GACCAAGAAGAAAACGAGGCGGCGCAGAGCAAAAGGGGAAGGGAAGAGGCAGTCAGAGGA[C>T]GAGTGCTTCCGCTGCGGTGATGGCGGGCAGCTGGTGCTGTGTGACCGCAAGTTCTGCACC-3'
Protein context (NP_001035889.1, residues 1230-1250): AKGEGKRQSE[Asp1240=]ECFRCGDGGQ

ClinVar aggregate classification (germline): Benign/Likely benign. Review status: criteria provided, multiple submitters, no conflicts (2 of 4 stars). 3 submissions from 3 submitters: Benign (2); Likely benign (1). Last evaluated 2025-10-06.

Allele frequency attached by ClinVar (database versions not stated): gnomAD 0.00001 and 0.00007; TOPMed 0.00004; gnomAD exomes 0.00006 and 0.00017; ExAC 0.00013; 1000 Genomes Project 0.00060; 1000 Genomes Project 30x 0.00062.
gnomAD v4.1: 100 of 1,613,234 alleles (0.0062%); highest among the groups gnomAD compares: East Asian, 0.058%; no homozygotes.

Submissions (3):

Labcorp Genetics (formerly Invitae), Labcorp
Classification: Benign. Last evaluated: 2025-10-06. Review status: criteria provided, single submitter. Criteria: Invitae Variant Classification Sherloc (09022015). Collection method: clinical testing. Allele origin: germline.

CeGaT Center for Human Genetics Tuebingen
Classification: Likely benign. Last evaluated: 2024-08-01. Review status: criteria provided, single submitter. Criteria: CeGaT Center For Human Genetics Tuebingen Variant Classification Criteria Version 2. Collection method: clinical testing. Allele origin: germline. Affected: yes. Observed: 1 variant allele.
Comment: NSD2: BP4, BP7

Breakthrough Genomics
Classification: Benign. Review status: criteria provided, single submitter. Criteria: ACMG Guidelines, 2015. Collection method: not provided. Allele origin: germline. Inheritance: Autosomal dominant inheritance. Affected: yes.